The following is an entry in ClinVar:

NC_000009.11:g.(?_103027084)_(103027230_?)del

Gene: INVS (inversin; plus strand). Cytogenetic location: 9q31.1.
Variant type: Deletion.
Identifiers: ClinVar variation 3245129 (VCV003245129.1).

ClinVar aggregate classification (germline): Pathogenic (1 of 4 stars; one submission).

Conditions:
Nephronophthisis. Also called: Juvenile Nephronophthisis. Identifiers: Orphanet 655, MedGen C0687120, MONDO:0019005, HP:0000090.

Submission:

Labcorp Genetics (formerly Invitae), Labcorp
Classification: Pathogenic for Nephronophthisis. Last evaluated: 2023-09-19. Review status: criteria provided, single submitter. Criteria: Invitae Variant Classification Sherloc (09022015). Collection method: clinical testing. Allele origin: unknown.
Comment: This variant is a gross deletion of the genomic region encompassing exon(s) 11 of the INVS gene. This deletion is out-of-frame, and is expected to create a premature termination codon and result in an absent or disrupted protein product. Loss-of-function variants in INVS are known to be pathogenic (PMID: 12872123). This variant has not been reported in the literature in individuals affected with INVS-related conditions. For these reasons, this variant has been classified as Pathogenic.

Literature cited by the submitters: PubMed 12872123.